The following is an entry in ClinVar:

NM_024063.3(AFG2B):c.1673C>G (p.Pro558Arg)

Gene: AFG2B (AAA ATPase AFG2B; plus strand). Cytogenetic location: 15q21.1.
Variant type: single nucleotide variant.
Coding change: c.1673C>G on transcript NM_024063.3 (MANE Select); coding-DNA position 1673, C replaced by G.
Protein change: p.Pro558Arg; replaces proline 558 with arginine.
Molecular consequence: missense variant. On other transcripts: non-coding transcript variant (5).
Genome position (GRCh38, 1-based): chr15:45,415,615, C>G. VCF-style: chr15-45415615-C-G. GRCh37 (hg19) VCF-style: chr15-45707813-C-G.
Other names: c.1673C>G, p.Pro558Arg (NM_001323640.2); short protein forms P558R.
Identifiers: ClinVar variation 2364794 (VCV002364794.7), dbSNP rs750709908, ClinGen allele CA7543489.

ClinVar aggregate classification (germline): Uncertain significance. Review status: criteria provided, multiple submitters, no conflicts (2 of 4 stars). 2 submissions from 2 submitters: Uncertain significance (2). Last evaluated 2026-10-20.

Conditions:
Inborn genetic diseases. Identifiers: MedGen C0950123, MeSH D030342.

Allele frequency attached by ClinVar (database versions not stated): gnomAD 0.00001; TOPMed 0.00002; ExAC 0.00002.
gnomAD v4.1: 36 of 1,613,800 alleles (0.0022%); highest among the groups gnomAD compares: African/African-American, 0.004%; no homozygotes.

Submissions (2):

GeneDx
Classification: Uncertain significance. Last evaluated: 2026-10-20. Review status: criteria provided, single submitter. Criteria: GeneDx Variant Classification Process June 2021. Collection method: clinical testing. Allele origin: germline.
Comment: In silico analysis supports that this missense variant has a deleterious effect on protein structure/function; Has not been previously published as pathogenic or benign to our knowledge

Ambry Genetics
Classification: Uncertain significance for Inborn genetic diseases. Last evaluated: 2025-04-09. Review status: criteria provided, single submitter. Criteria: Ambry Variant Classification Scheme 2023. Collection method: clinical testing. Allele origin: germline.